The following is an entry in ClinVar:

ClinVar aggregate classification (germline): Uncertain significance (1 of 4 stars; one submission).

Conditions:
Hereditary pheochromocytoma and paraganglioma. Also called: Hereditary paragangliomas and pheochromocytomas; Hereditary Paraganglioma-Pheochromocytoma Syndromes; Hereditary pheochromocytoma-paraganglioma. Identifiers: Orphanet 29072, MedGen C4274332, MONDO:0017366.

Submission:

Labcorp Genetics (formerly Invitae), Labcorp
Classification: Uncertain significance for Hereditary pheochromocytoma and paraganglioma. Last evaluated: 2023-07-16. Review status: criteria provided, single submitter. Criteria: Invitae Variant Classification Sherloc (09022015). Collection method: clinical testing. Allele origin: germline.
Comment: An algorithm developed to predict the effect of missense changes on protein structure and function (PolyPhen-2) suggests that this variant is likely to be disruptive. This sequence change replaces arginine, which is basic and polar, with histidine, which is basic and polar, at codon 35 of the MAX protein (p.Arg35His). This variant is not present in population databases (gnomAD no frequency). This variant has not been reported in the literature in individuals affected with MAX-related conditions. Experimental studies have shown that this missense change affects MAX function (PMID: 27903915). In summary, the available evidence is currently insufficient to determine the role of this variant in disease. Therefore, it has been classified as a Variant of Uncertain Significance.

Literature cited by the submitters: PubMed 27903915.

NM_002382.5(MAX):c.104G>A (p.Arg35His)

Genes: MAX (MYC associated transcriptional regulator X; minus strand), MAX-AS1 (MAX antisense RNA 1; plus strand). Cytogenetic location: 14q23.3.
Variant type: single nucleotide variant.
Coding change: c.104G>A on transcript NM_002382.5 (MANE Select); coding-DNA position 104, G replaced by A.
Protein change: p.Arg35His; replaces arginine 35 with histidine.
Molecular consequence: missense variant. On other transcripts: non-coding transcript variant (12), 5 prime UTR variant (6), intron variant (1).
Genome position (GRCh38, 1-based): chr14:65,093,775, C>T on the plus strand (G>A on the coding strand, the complement: MAX is on the minus strand). VCF-style: chr14-65093775-C-T. GRCh37 (hg19) VCF-style: chr14-65560493-C-T.
Other names: c.77G>A, p.Arg26His (NM_001271068.2, NM_001271069.2, NM_001407095.1 and 9 more transcripts); c.-171G>A (NM_001320415.2, NM_001407105.1, NM_001407106.1 and 1 more transcripts); c.104G>A, p.Arg35His (NM_001407094.1, NM_001407096.1, NM_001407097.1 and 5 more transcripts); c.-264G>A (NM_001407111.1, NM_001407112.1); c.127G>A, p.Val43Ile (NM_001407114.1); c.63+7771G>A (NM_001407098.1); short protein forms V43I, R26H, R35H.
Identifiers: ClinVar variation 2911238 (VCV002911238.3), dbSNP rs2139885593, ClinGen allele CA390037749.